The following is an entry in ClinVar:

ClinVar aggregate classification (germline): Benign/Likely benign. Review status: criteria provided, multiple submitters, no conflicts (2 of 4 stars). 22 submissions from 22 submitters: Benign (7); Likely benign (10). 5 of the submissions do not count toward it. Last evaluated 2026-02-04.

Conditions:
Breast-ovarian cancer, familial, susceptibility to, 3. Also called: RAD51C-Related Breast/Ovarian Cancer. Identifiers: Orphanet 145, MedGen C3150659, MONDO:0013253, OMIM 613399.
Fanconi anemia complementation group O. Also called: RAD51C-Related Fanconi Anemia. Identifiers: Orphanet 84, MedGen C3150653, MONDO:0013248, OMIM 613390.
Breast and/or ovarian cancer. Identifiers: MedGen CN221562.
Hereditary cancer-predisposing syndrome. Also called: Neoplastic Syndromes, Hereditary; Hereditary Cancer Syndrome; Tumor predisposition; Hereditary neoplastic syndrome. Identifiers: Orphanet 140162, MedGen C0027672, MeSH D009386, MONDO:0015356.

Allele frequency attached by ClinVar (database versions not stated): 1000 Genomes Project 0.00359; ESP Exome Variant Server 0.00600; 1000 Genomes Project 30x 0.00344; ExAC 0.00406; gnomAD 0.00513; TOPMed 0.00511.
gnomAD v4.1: 8,341 of 1,608,650 alleles (0.52%); highest among the groups gnomAD compares: Middle Eastern, 0.67%; 33 homozygotes.

Submissions (22):

Labcorp Genetics (formerly Invitae), Labcorp
Classification: Benign for Fanconi anemia complementation group O. Last evaluated: 2026-02-04. Review status: criteria provided, single submitter. Criteria: Invitae Variant Classification Sherloc (09022015). Collection method: clinical testing. Allele origin: germline.

ARUP Laboratories, Molecular Genetics and Genomics, ARUP Laboratories
Classification: Benign. Last evaluated: 2025-05-15. Review status: criteria provided, single submitter. Criteria: ARUP Molecular Germline Variant Investigation Process 2024. Collection method: clinical testing. Allele origin: germline.

Center for Genomic Medicine, Rigshospitalet, Copenhagen University Hospital
Classification: Likely benign. Last evaluated: 2025-03-04. Review status: criteria provided, single submitter. Criteria: ACMG Guidelines, 2015. Collection method: clinical testing. Allele origin: germline.

Myriad Genetics, Inc.
Classification: Benign for Breast-ovarian cancer, familial, susceptibility to, 3. Last evaluated: 2025-02-18. Review status: criteria provided, single submitter. Criteria: Myriad Autosomal Dominant, Autosomal Recessive and X-Linked Classification Criteria (2023). Collection method: clinical testing. Allele origin: unknown.
Comment: This variant is considered benign. This variant is intronic and is not expected to impact mRNA splicing. This variant has been observed at a population frequency that is significantly greater than expected given the associated disease prevalence and penetrance.

Blueprint Genetics
Classification: Likely benign. Last evaluated: 2024-11-27. Review status: criteria provided, single submitter. Criteria: ACMG Guidelines, 2015. Collection method: clinical testing. Allele origin: germline.

Genomic Medicine Center of Excellence, King Faisal Specialist Hospital and Research Centre
Classification: Benign for Breast-ovarian cancer, familial, susceptibility to, 3. Last evaluated: 2024-03-29. Review status: criteria provided, single submitter. Criteria: ACMG Guidelines, 2015. Collection method: clinical testing. Allele origin: germline.

KCCC/NGS Laboratory, Kuwait Cancer Control Center
Classification: Benign for Breast-ovarian cancer, familial, susceptibility to, 3. Last evaluated: 2023-07-07. Review status: criteria provided, single submitter. Criteria: ACMG Guidelines, 2015. Collection method: clinical testing. Allele origin: germline. Affected: yes.

CeGaT Center for Human Genetics Tuebingen
Classification: Likely benign. Last evaluated: 2023-05-01. Review status: criteria provided, single submitter. Criteria: CeGaT Center For Human Genetics Tuebingen Variant Classification Criteria Version 2. Collection method: clinical testing. Allele origin: germline. Affected: yes. Observed: 4 variant alleles.
Comment: RAD51C: BS2

CHEO Genetics Diagnostic Laboratory, Children's Hospital of Eastern Ontario
Classification: Benign for Breast and/or ovarian cancer. Last evaluated: 2023-02-09. Review status: criteria provided, single submitter. Criteria: ACMG Guidelines, 2015. Collection method: clinical testing. Allele origin: germline.

Institute for Clinical Genetics, University Hospital TU Dresden, University Hospital TU Dresden
Classification: Likely benign. Last evaluated: 2021-11-03. Review status: criteria provided, single submitter. Criteria: ACMG Guidelines, 2015. Collection method: clinical testing. Allele origin: germline.

Fulgent Genetics
Classification: Likely benign for Fanconi anemia complementation group O; Breast-ovarian cancer, familial, susceptibility to, 3. Last evaluated: 2021-08-04. Review status: criteria provided, single submitter. Criteria: ACMG Guidelines, 2015. Collection method: clinical testing. Allele origin: unknown.

Mendelics
Classification: Likely benign for Fanconi anemia complementation group O. Last evaluated: 2019-05-28. Review status: criteria provided, single submitter. Criteria: Mendelics Assertion Criteria 2017. Collection method: clinical testing. Allele origin: unknown.

Institute of Human Genetics, University of Leipzig Medical Center
Classification: Likely benign for Breast-ovarian cancer, familial, susceptibility to, 3. Last evaluated: 2019-01-01. Review status: criteria provided, single submitter. Criteria: ACMG Guidelines, 2015. Collection method: clinical testing. Allele origin: unknown. Affected: yes.
Comment: This variant was identified as compound heterozygous.

Ambry Genetics
Classification: Likely benign for Hereditary cancer-predisposing syndrome. Last evaluated: 2015-06-30. Review status: criteria provided, single submitter. Criteria: Ambry Variant Classification Scheme 2023. Collection method: clinical testing. Allele origin: germline.

Color Diagnostics, LLC DBA Color Health
Classification: Likely benign for Hereditary cancer-predisposing syndrome. Last evaluated: 2015-04-03. Review status: criteria provided, single submitter. Criteria: ACMG Guidelines, 2015. Collection method: clinical testing. Allele origin: germline.

GeneDx
Classification: Benign. Last evaluated: 2013-10-23. Review status: criteria provided, single submitter. Criteria: GeneDx Variant Classification (06012015). Collection method: clinical testing. Allele origin: germline. Affected: yes.
Comment: This variant is considered likely benign or benign based on one or more of the following criteria: it is a conservative change, it occurs at a poorly conserved position in the protein, it is predicted to be benign by multiple in silico algorithms, and/or has population frequency not consistent with disease.

PreventionGenetics, part of Exact Sciences
Classification: Likely benign. Review status: criteria provided, single submitter. Criteria: ACMG Guidelines, 2015. Collection method: clinical testing. Allele origin: germline.

University of Washington Department of Laboratory Medicine, University of Washington
Classification: Likely benign for Hereditary cancer-predisposing syndrome. Last evaluated: 2015-12-01. Review status: no assertion criteria provided. Collection method: clinical testing. Allele origin: germline. Affected: no. Not counted in ClinVar's aggregate classification.

Clinical Genetics Laboratory, Department of Pathology, Netherlands Cancer Institute
Classification: Likely benign. Review status: no assertion criteria provided. Collection method: clinical testing. Allele origin: germline. Affected: yes. Study: VKGL Data-share Consensus. Not counted in ClinVar's aggregate classification.

Genome Diagnostics Laboratory, Amsterdam University Medical Center
Classification: Benign. Review status: no assertion criteria provided. Collection method: clinical testing. Allele origin: germline. Affected: yes. Study: VKGL Data-share Consensus. Not counted in ClinVar's aggregate classification.

Joint Genome Diagnostic Labs from Nijmegen and Maastricht, Radboudumc and MUMC+
Classification: Likely benign. Review status: no assertion criteria provided. Collection method: clinical testing. Allele origin: germline. Affected: yes. Study: VKGL Data-share Consensus. Not counted in ClinVar's aggregate classification.

Laboratory of Diagnostic Genome Analysis, Leiden University Medical Center (LUMC)
Classification: Likely benign. Review status: no assertion criteria provided. Collection method: clinical testing. Allele origin: germline. Affected: yes. Study: VKGL Data-share Consensus. Not counted in ClinVar's aggregate classification.

NM_058216.3(RAD51C):c.572-17G>T

Gene: RAD51C (RAD51 paralog C; plus strand). Cytogenetic location: 17q22.
Variant type: single nucleotide variant.
Coding change: c.572-17G>T on transcript NM_058216.3 (MANE Select); 17 bases into the intron before coding-DNA position 572, G replaced by T.
Molecular consequence: intron variant.
Genome position (GRCh38, 1-based): chr17:58,703,179, G>T. VCF-style: chr17-58703179-G-T. GRCh37 (hg19) VCF-style: chr17-56780540-G-T.
Identifiers: ClinVar variation 138867 (VCV000138867.70), dbSNP rs193023469, ClinGen allele CA293023.